The following continues an entry in ClinVar:

NM_022081.6(HPS4):c.751A>T (p.Thr251Ser)

Gene: HPS4. ClinVar aggregate classification (germline): Conflicting classifications of pathogenicity. Uncertain significance (1); Benign (3); Likely benign (3).

Submissions 31 to 51 of 51:

Dr. Peter K. Rogan Lab, Western University
No classification provided (evidence only). Condition: Cervical cancer. Review status: no classification provided. Collection method: in vitro. Allele origin: not applicable. Functional consequence: retained intron. Not counted in ClinVar's aggregate classification.

Dr. Peter K. Rogan Lab, Western University
No classification provided (evidence only). Condition: Cervical cancer. Review status: no classification provided. Collection method: in vitro. Allele origin: not applicable. Functional consequence: skipped exon, retained intron. Not counted in ClinVar's aggregate classification.

Dr. Peter K. Rogan Lab, Western University
No classification provided (evidence only). Condition: Sarcoma. Review status: no classification provided. Collection method: in vitro. Allele origin: not applicable. Functional consequence: retained intron. Not counted in ClinVar's aggregate classification.

Dr. Peter K. Rogan Lab, Western University
No classification provided (evidence only). Condition: Sarcoma. Review status: no classification provided. Collection method: in vitro. Allele origin: not applicable. Functional consequence: skipped exon. Not counted in ClinVar's aggregate classification.

Dr. Peter K. Rogan Lab, Western University
No classification provided (evidence only). Condition: Malignant lymphoma, large B-cell, diffuse. Review status: no classification provided. Collection method: in vitro. Allele origin: not applicable. Functional consequence: retained intron. Not counted in ClinVar's aggregate classification.

Dr. Peter K. Rogan Lab, Western University
No classification provided (evidence only). Condition: Hepatocellular carcinoma. Review status: no classification provided. Collection method: in vitro. Allele origin: not applicable. Functional consequence: skipped exon. Not counted in ClinVar's aggregate classification.

Dr. Peter K. Rogan Lab, Western University
No classification provided (evidence only). Condition: Hepatocellular carcinoma. Review status: no classification provided. Collection method: in vitro. Allele origin: not applicable. Functional consequence: skipped exon, retained intron. Not counted in ClinVar's aggregate classification.

Dr. Peter K. Rogan Lab, Western University
No classification provided (evidence only). Condition: Thymoma. Review status: no classification provided. Collection method: in vitro. Allele origin: not applicable. Functional consequence: skipped exon, retained intron. Not counted in ClinVar's aggregate classification.

Dr. Peter K. Rogan Lab, Western University
No classification provided (evidence only). Condition: Thymoma. Review status: no classification provided. Collection method: in vitro. Allele origin: not applicable. Functional consequence: skipped exon, retained intron. Not counted in ClinVar's aggregate classification.

Dr. Peter K. Rogan Lab, Western University
No classification provided (evidence only). Condition: Ovarian serous cystadenocarcinoma. Review status: no classification provided. Collection method: in vitro. Allele origin: not applicable. Functional consequence: retained intron. Not counted in ClinVar's aggregate classification.

Dr. Peter K. Rogan Lab, Western University
No classification provided (evidence only). Condition: Gastric cancer. Review status: no classification provided. Collection method: in vitro. Allele origin: not applicable. Functional consequence: retained intron. Not counted in ClinVar's aggregate classification.

Dr. Peter K. Rogan Lab, Western University
No classification provided (evidence only). Condition: Gastric cancer. Review status: no classification provided. Collection method: in vitro. Allele origin: not applicable. Functional consequence: retained intron. Not counted in ClinVar's aggregate classification.

Dr. Peter K. Rogan Lab, Western University
No classification provided (evidence only). Condition: Gastric cancer. Review status: no classification provided. Collection method: in vitro. Allele origin: not applicable. Functional consequence: retained intron. Not counted in ClinVar's aggregate classification.

Dr. Peter K. Rogan Lab, Western University
No classification provided (evidence only). Condition: Gastric cancer. Review status: no classification provided. Collection method: in vitro. Allele origin: not applicable. Functional consequence: retained intron. Not counted in ClinVar's aggregate classification.

Dr. Peter K. Rogan Lab, Western University
No classification provided (evidence only). Condition: Adrenocortical carcinoma, hereditary. Review status: no classification provided. Collection method: in vitro. Allele origin: not applicable. Functional consequence: retained intron. Not counted in ClinVar's aggregate classification.

Dr. Peter K. Rogan Lab, Western University
No classification provided (evidence only). Condition: Uveal melanoma. Review status: no classification provided. Collection method: in vitro. Allele origin: not applicable. Functional consequence: retained intron. Not counted in ClinVar's aggregate classification.

Dr. Peter K. Rogan Lab, Western University
No classification provided (evidence only). Condition: Malignant tumor of esophagus. Review status: no classification provided. Collection method: in vitro. Allele origin: not applicable. Functional consequence: retained intron. Not counted in ClinVar's aggregate classification.

Dr. Peter K. Rogan Lab, Western University
No classification provided (evidence only). Condition: Malignant tumor of esophagus. Review status: no classification provided. Collection method: in vitro. Allele origin: not applicable. Functional consequence: retained intron. Not counted in ClinVar's aggregate classification.

Dr. Peter K. Rogan Lab, Western University
No classification provided (evidence only). Condition: Malignant tumor of esophagus. Review status: no classification provided. Collection method: in vitro. Allele origin: not applicable. Functional consequence: retained intron. Not counted in ClinVar's aggregate classification.

Dr. Peter K. Rogan Lab, Western University
No classification provided (evidence only). Condition: Malignant tumor of esophagus. Review status: no classification provided. Collection method: in vitro. Allele origin: not applicable. Functional consequence: retained intron. Not counted in ClinVar's aggregate classification.

Dr. Peter K. Rogan Lab, Western University
No classification provided (evidence only). Condition: Malignant tumor of esophagus. Review status: no classification provided. Collection method: in vitro. Allele origin: not applicable. Functional consequence: retained intron. Not counted in ClinVar's aggregate classification.